The following is an entry in ClinVar:

ClinVar aggregate classification (germline): Benign. Review status: criteria provided, multiple submitters, no conflicts (2 of 4 stars). 11 submissions from 11 submitters: Benign (8). 3 of the submissions do not count toward it. Last evaluated 2026-02-04.

Conditions:
Cardiovascular phenotype. Identifiers: MedGen CN230736.
Brittle cornea syndrome 1 (BCS1). Also called: DYSGENESIS MESODERMALIS CORNEAE ET SCLERAE; CORNEAL FRAGILITY, KERATOGLOBUS, BLUE SCLERAE, JOINT HYPEREXTENSIBILITY; EDS6B; FRAGILITAS OCULI WITH JOINT HYPEREXTENSIBILITY; Corneal fragility keratoglobus, blue sclerae AND joint hypermobility. Identifiers: Orphanet 90354, MedGen C0268344, MONDO:0024543, OMIM 229200.

Allele frequency attached by ClinVar (database versions not stated): gnomAD 0.86712 and 0.87228; TOPMed 0.86886; 1000 Genomes Project 30x 0.86946; 1000 Genomes Project 0.87480; gnomAD exomes 0.92982 and 0.93426; ExAC 0.94436.
gnomAD v4.1: 1,432,003 of 1,549,646 alleles (92%); highest among the groups gnomAD compares: South Asian, 97%; 663,869 homozygotes.

Submissions (11):

Labcorp Genetics (formerly Invitae), Labcorp
Classification: Benign. Last evaluated: 2026-02-04. Review status: criteria provided, single submitter. Criteria: Invitae Variant Classification Sherloc (09022015). Collection method: clinical testing. Allele origin: germline.

Women's Health and Genetics/Laboratory Corporation of America, LabCorp
Classification: Benign. Last evaluated: 2025-10-13. Review status: criteria provided, single submitter. Criteria: LabCorp Variant Classification Summary - May 2015. Collection method: clinical testing. Allele origin: germline.

Blueprint Genetics
Classification: Benign. Last evaluated: 2024-11-27. Review status: criteria provided, single submitter. Criteria: ACMG Guidelines, 2015. Collection method: clinical testing. Allele origin: germline.

Mayo Clinic Laboratories, Mayo Clinic
Classification: Benign. Last evaluated: 2022-04-26. Review status: criteria provided, single submitter. Criteria: ACMG Guidelines, 2015. Collection method: clinical testing. Allele origin: germline. Observed: 3,074 variant alleles.

Genome-Nilou Lab
Classification: Benign for Brittle cornea syndrome 1. Last evaluated: 2021-12-05. Review status: criteria provided, single submitter. Criteria: ACMG Guidelines, 2015. Collection method: clinical testing. Allele origin: germline. Affected: no.

Ambry Genetics
Classification: Benign for Cardiovascular phenotype. Last evaluated: 2018-12-04. Review status: criteria provided, single submitter. Criteria: Ambry Variant Classification Scheme 2023. Collection method: clinical testing. Allele origin: germline.

GeneDx
Classification: Benign. Last evaluated: 2016-09-29. Review status: criteria provided, single submitter. Criteria: GeneDx Variant Classification (06012015). Collection method: clinical testing. Allele origin: germline. Affected: yes.
Comment: This variant is considered likely benign or benign based on one or more of the following criteria: it is a conservative change, it occurs at a poorly conserved position in the protein, it is predicted to be benign by multiple in silico algorithms, and/or has population frequency not consistent with disease.

Breakthrough Genomics
Classification: Benign. Review status: criteria provided, single submitter. Criteria: ACMG Guidelines, 2015. Collection method: not provided. Allele origin: germline. Inheritance: Autosomal recessive inheritance. Affected: yes.

Genome Diagnostics Laboratory, Amsterdam University Medical Center
Classification: Benign for Brittle cornea syndrome 1. Last evaluated: 2016-01-15. Review status: no assertion criteria provided. Criteria: ACGS Guidelines, 2013. Collection method: clinical testing. Allele origin: germline. Affected: yes. Study: VKGL Data-share Consensus. Not counted in ClinVar's aggregate classification.

Diagnostic Laboratory, Department of Genetics, University Medical Center Groningen
Classification: Benign for Brittle cornea syndrome 1. Review status: no assertion criteria provided. Collection method: clinical testing. Allele origin: germline. Affected: yes. Study: VKGL Data-share Consensus. Not counted in ClinVar's aggregate classification.

Joint Genome Diagnostic Labs from Nijmegen and Maastricht, Radboudumc and MUMC+
Classification: Benign. Review status: no assertion criteria provided. Collection method: clinical testing. Allele origin: germline. Affected: yes. Study: VKGL Data-share Consensus. Not counted in ClinVar's aggregate classification.

NM_001367624.2(ZNF469):c.1776A>G (p.Pro592=)

Gene: ZNF469 (zinc finger protein 469; plus strand). Cytogenetic location: 16q24.2.
Variant type: single nucleotide variant.
Coding change: c.1776A>G on transcript NM_001367624.2 (MANE Select); coding-DNA position 1776, A replaced by G.
Protein change: p.Pro592=; no amino-acid change (proline 592 retained).
Molecular consequence: synonymous variant.
Genome position (GRCh38, 1-based): chr16:88,429,246, A>G. VCF-style: chr16-88429246-A-G. GRCh37 (hg19) VCF-style: chr16-88495654-A-G.
Other names: NM_001127464.1:c.1776A>G; p.Pro592=.
Identifiers: ClinVar variation 320872 (VCV000320872.23), dbSNP rs12927001, ClinGen allele CA8224705.